The following is an entry in ClinVar:

ClinVar aggregate classification (germline): Conflicting classifications of pathogenicity. Review status: criteria provided, conflicting classifications (1 of 4 stars). 3 submissions from 3 submitters: Uncertain significance (1); Likely benign (1). 1 of the submissions does not count toward it. Last evaluated 2025-10-06.

Conditions:
Multiple acyl-CoA dehydrogenase deficiency (MADD). Also called: Glutaric Acidemia type 2; Glutaric aciduria, type 2; Glutaric acidemia type II; GA 2; ETHYLMALONIC-ADIPICACIDURIA; GA II. Identifiers: Orphanet 26791, MedGen C0268596, MONDO:0009282, OMIM 231680.
ETFB-related disorder. Also called: ETFB-related condition.

Allele frequency attached by ClinVar (database versions not stated): gnomAD exomes below 0.00001; TOPMed 0.00003; gnomAD 0.00007 and 0.00009.
gnomAD v4.1: 18 of 1,613,320 alleles (0.0011%); highest among the groups gnomAD compares: African/African-American, 0.024%; no homozygotes.

Submissions (3):

Labcorp Genetics (formerly Invitae), Labcorp
Classification: Likely benign for Multiple acyl-CoA dehydrogenase deficiency. Last evaluated: 2025-10-06. Review status: criteria provided, single submitter. Criteria: Invitae Variant Classification Sherloc (09022015). Collection method: clinical testing. Allele origin: germline.

GeneDx
Classification: Uncertain significance. Last evaluated: 2024-11-06. Review status: criteria provided, single submitter. Criteria: GeneDx Variant Classification Process June 2021. Collection method: clinical testing. Allele origin: germline. Affected: yes.
Comment: Not observed at significant frequency in large population cohorts (gnomAD); In silico analysis indicates that this variant does not alter splicing; Has not been previously published as pathogenic or benign to our knowledge

PreventionGenetics, part of Exact Sciences
Classification: Likely benign for ETFB-related condition. Last evaluated: 2021-12-23. Review status: no assertion criteria provided. Collection method: clinical testing. Allele origin: germline. Not counted in ClinVar's aggregate classification.
Comment: This variant is classified as likely benign based on ACMG/AMP sequence variant interpretation guidelines (Richards et al. 2015 PMID: 25741868, with internal and published modifications).

NM_001985.3(ETFB):c.18G>C (p.Val6=)

Gene: ETFB (electron transfer flavoprotein subunit beta; minus strand). Cytogenetic location: 19q13.41.
Variant type: single nucleotide variant.
Coding change: c.18G>C on transcript NM_001985.3 (MANE Select); coding-DNA position 18, G replaced by C.
Protein change: p.Val6=; no amino-acid change (valine 6 retained).
Molecular consequence: synonymous variant.
Genome position (GRCh38, 1-based): chr19:51,366,309, C>G on the plus strand (G>C on the coding strand, the complement: ETFB is on the minus strand). VCF-style: chr19-51366309-C-G. GRCh37 (hg19) VCF-style: chr19-51869563-C-G.
Other names: c.18G>C (NM_001985.2).
Identifiers: ClinVar variation 1645495 (VCV001645495.11), dbSNP rs572600030, ClinGen allele CA309746111.